The following is an entry in ClinVar:

NM_000264.5(PTCH1):c.1926A>C (p.Pro642=)

Genes: PTCH1 (patched 1; minus strand), LOC100507346 (uncharacterized LOC100507346; plus strand). Cytogenetic location: 9q22.32.
Variant type: single nucleotide variant.
Coding change: c.1926A>C on transcript NM_000264.5 (MANE Select); coding-DNA position 1926, A replaced by C.
Protein change: p.Pro642=; no amino-acid change (proline 642 retained).
Molecular consequence: synonymous variant. On other transcripts: non-coding transcript variant (2).
Genome position (GRCh38, 1-based): chr9:95,469,075, T>G on the plus strand (A>C on the coding strand, the complement: PTCH1 is on the minus strand). VCF-style: chr9-95469075-T-G. GRCh37 (hg19) VCF-style: chr9-98231357-T-G.
Other names: c.1728A>C, p.Pro576= (NM_001083602.3); c.1923A>C, p.Pro641= (NM_001083603.3); c.1473A>C, p.Pro491= (NM_001083604.3, NM_001083605.3, NM_001083606.3 and 1 more transcripts); c.1770A>C, p.Pro590= (NM_001354918.2).
Identifiers: ClinVar variation 1692306 (VCV001692306.2), dbSNP rs1288935191, ClinGen allele CA466113657.

ClinVar aggregate classification (germline): Conflicting classifications of pathogenicity. Review status: criteria provided, conflicting classifications (1 of 4 stars). 2 submissions from 2 submitters: Uncertain significance (1); Likely benign (1). Last evaluated 2025-07-02.

Conditions:
Hereditary cancer-predisposing syndrome. Also called: Neoplastic Syndromes, Hereditary; Hereditary Cancer Syndrome; Tumor predisposition; Hereditary neoplastic syndrome. Identifiers: Orphanet 140162, MedGen C0027672, MeSH D009386, MONDO:0015356.
Gorlin syndrome. Also called: Nevoid Basal Cell Carcinoma Syndrome; Basal cell nevus syndrome. Identifiers: Orphanet 377, MedGen C0004779, MONDO:0007187.

Allele frequency attached by ClinVar (database versions not stated): gnomAD 0.00001.

Submissions (2):

Labcorp Genetics (formerly Invitae), Labcorp
Classification: Likely benign for Gorlin syndrome. Last evaluated: 2025-07-02. Review status: criteria provided, single submitter. Criteria: Invitae Variant Classification Sherloc (09022015). Collection method: clinical testing. Allele origin: germline.

Sema4
Classification: Uncertain significance for Hereditary cancer-predisposing syndrome. Last evaluated: 2021-07-29. Review status: criteria provided, single submitter. Criteria: Sema4 Curation Guidelines. Collection method: curation. Allele origin: germline.
Comment: The PTCH1 c.1926A>C (p.P642=) variant has not been reported in the literature to our knowledge. It was observed in 2/113618 chromosomes of the Non-Finnish European subpopulation in the large and broad cohorts of the Genome Aggregation Database (PMID: 32461654). The variant has not been reported in ClinVar. In silico tools suggest that the variant may strengthen a cryptic splice site, though these predictions have not been confirmed by functional studies. The evidence is insufficient to meet ACMG/AMP criteria for classifying the variant as benign or pathogenic. Thus, the clinical significance of this variant is currently uncertain.